The following is an entry in ClinVar:

GRCh37/hg19 3p13(chr3:71084566-71514661)x1

Gene: FOXP1 (forkhead box P1; minus strand). Cytogenetic location: 3p13.
Variant type: copy number loss.
Change: copy number 1 (one copy instead of two) of chr3:71,084,566-71,514,661 (430.1 kb, GRCh37 coordinates, 1-based), cytogenetic band 3p13.
Identifiers: ClinVar variation 3391880 (VCV003391880.1).

ClinVar aggregate classification (germline): Pathogenic (1 of 4 stars; one submission).

Submission:

Quest Diagnostics Nichols Institute San Juan Capistrano
Classification: Pathogenic. Last evaluated: 2024-01-31. Review status: criteria provided, single submitter. Criteria: ACMG/ClinGen CNV Guidelines, 2019. Collection method: clinical testing. Allele origin: unknown.
Comment: This loss involves multiple exons (NM_032682.6) of an intragenic portion of FOXP1 (OMIM 605515). Haploinsufficiency of FOXP1 is associated with autosomal dominant intellectual developmental disorder with language impairment and with or without autistic features (OMIM 613670; Braden 2021, Horn 2010, Hamdan 2010, Kubota 2023, Lin 2021, Rehm 2015). There are no similar copy number losses of this region in the general populations of the Database of Genomic Variants. Therefore, this copy number variant (CNV) is classified as pathogenic. References: Braden et al., Dev Med Child Neurol. 2021 Dec;63(12):1417-1426. PMID: 34109629; Horn et al., Hum Mutat. 2010 Nov;31(11):E1851-60. PMID: 20848658; Hamdan et al., Am J Hum Genet. 2010 Nov 12;87(5):671-8. PMID: 20950788; Kubota et al., Mol Syndromol. 2023 Oct;14(5):394-404. PMID: 37901861; Lin et al., World J Clin Cases. 2021 Aug 16;9(23):6858-6866. PMID: 34447835; Rehm et al., N Engl J Med. 2015 Jun 4;372(23):2235-42. PMID: 26014595